The following is an entry in ClinVar:

ClinVar aggregate classification (germline): Uncertain significance (1 of 4 stars; one submission).

Submission:

Ambry Genetics
Classification: Uncertain significance. Last evaluated: 2026-07-11. Review status: criteria provided, single submitter. Criteria: Ambry Variant Classification Scheme 2023. Collection method: clinical testing. Allele origin: germline.
Comment: The p.D171G variant (also known as c.512A>G), located in coding exon 1 of the EGLN1 gene, results from an A to G substitution at nucleotide position 512. The aspartic acid at codon 171 is replaced by glycine, an amino acid with similar properties. This amino acid position is conserved. In addition, this alteration is predicted to be tolerated by in silico analysis. Based on the available evidence, the clinical significance of this variant remains unclear.

NM_022051.3(EGLN1):c.512A>G (p.Asp171Gly)

Gene: EGLN1 (egl-9 family hypoxia inducible factor 1; minus strand). Cytogenetic location: 1q42.2.
Variant type: single nucleotide variant.
Coding change: c.512A>G on transcript NM_022051.3 (MANE Select); coding-DNA position 512, A replaced by G.
Protein change: p.Asp171Gly; replaces aspartic acid 171 with glycine.
Molecular consequence: missense variant.
Genome position (GRCh38, 1-based): chr1:231,421,377, T>C on the plus strand (A>G on the coding strand, the complement: EGLN1 is on the minus strand). VCF-style: chr1-231421377-T-C. GRCh37 (hg19) VCF-style: chr1-231557123-T-C.
Other names: c.512A>G, p.Asp171Gly (NM_001377260.1, NM_001377261.1); short protein forms D171G.
Identifiers: ClinVar variation 5035854 (VCV005035854.1).